The following is an entry in ClinVar:

ClinVar aggregate classification (germline): Likely benign. Review status: criteria provided, single submitter (1 of 4 stars). 2 submissions from 2 submitters: Likely benign (1). 1 of the submissions does not count toward it. Last evaluated 2024-09-02.

Conditions:
PKD1-related disorder. Also called: PKD1-related condition.

Allele frequency attached by ClinVar (database versions not stated): ExAC 0.00016; TOPMed 0.00022; ESP Exome Variant Server 0.00023; gnomAD exomes 0.00024; gnomAD 0.00025.
gnomAD v4.1: 392 of 1,611,138 alleles (0.024%); highest among the groups gnomAD compares: Middle Eastern, 0.045%; no homozygotes.

Submissions (2):

Blueprint Genetics
Classification: Likely benign. Last evaluated: 2024-09-02. Review status: criteria provided, single submitter. Criteria: ACMG Guidelines, 2015. Collection method: clinical testing. Allele origin: germline.

PreventionGenetics, part of Exact Sciences
Classification: Likely benign for PKD1-related condition. Last evaluated: 2022-04-12. Review status: no assertion criteria provided. Collection method: clinical testing. Allele origin: germline. Not counted in ClinVar's aggregate classification.
Comment: This variant is classified as likely benign based on ACMG/AMP sequence variant interpretation guidelines (Richards et al. 2015 PMID: 25741868, with internal and published modifications).

NM_001009944.3(PKD1):c.10168-36G>C

Gene: PKD1 (polycystin 1, transient receptor potential channel interacting; minus strand). Cytogenetic location: 16p13.3.
Variant type: single nucleotide variant.
Coding change: c.10168-36G>C on transcript NM_001009944.3 (MANE Select); 36 bases into the intron before coding-DNA position 10168, G replaced by C.
Molecular consequence: intron variant.
Genome position (GRCh38, 1-based): chr16:2,097,816, C>G on the plus strand (G>C on the coding strand, the complement: PKD1 is on the minus strand). VCF-style: chr16-2097816-C-G. GRCh37 (hg19) VCF-style: chr16-2147817-C-G.
Other names: c.10168-39G>C (NM_000296.4).
Identifiers: ClinVar variation 3054420 (VCV003054420.3), dbSNP rs373592524, ClinGen allele CA7829760.
Genomic context (GRCh38, chr16:2,097,816, plus strand): 5'-TCTTCATCTGTCCAACAAAGGCCTGCTGAGAGGTGCACAGTGTCTTGAGTCCAAGCTGCG[C>G]CAAGGCGGCAGGACCCCCAGCCCAGCCCAGGACCCCCAGTAGAGTCCTCACCTCAGCGTG-3'